The following is an entry in ClinVar:

ClinVar aggregate classification (germline): Uncertain significance (1 of 4 stars; one submission).

Submission:

GeneDx
Classification: Uncertain significance. Last evaluated: 2022-04-28. Review status: criteria provided, single submitter. Criteria: GeneDx Variant Classification Process June 2021. Collection method: clinical testing. Allele origin: germline. Affected: yes.
Comment: Not observed at significant frequency in large population cohorts (gnomAD); Canonical splice site variant in a gene or region of a gene for which loss of function is not a well-established mechanism of disease; Has not been previously published as pathogenic or benign to our knowledge

NM_001080397.3(SLC45A1):c.1443+1G>A

Gene: SLC45A1 (solute carrier family 45 member 1; plus strand). Cytogenetic location: 1p36.23.
Variant type: single nucleotide variant.
Coding change: c.1443+1G>A on transcript NM_001080397.3 (MANE Select); the canonical splice donor site of the intron after coding-DNA position 1443, G replaced by A.
Molecular consequence: splice donor variant.
Genome position (GRCh38, 1-based): chr1:8,330,937, G>A. VCF-style: chr1-8330937-G-A. GRCh37 (hg19) VCF-style: chr1-8390997-G-A.
Other names: c.1443+1G>A (NM_001379614.1); c.1350+1G>A (NM_001379615.1, NM_001379616.1); c.837+1G>A (NM_001379617.1, NM_001379618.1).
Identifiers: ClinVar variation 1712902 (VCV001712902.2), dbSNP rs2522576294, ClinGen allele CA338165059.
Genomic context (GRCh38, chr1:8,330,937, plus strand): 5'-GCAGCCGGAGGAGGGGGTCCCGAAACCAGCAGGAGAAGGAATGTGACCTTCAGTCAGCAG[G>A]TAACAGCAAATGTCGGGGGAGCTGAGGCTCAGAGGGTGGCATTCGGGGGTCCCCTGGTCA-3'